The following is an entry in ClinVar:

NM_000238.4(KCNH2):c.1825G>A (p.Asp609Asn)

Gene: KCNH2 (potassium voltage-gated channel subfamily H member 2; minus strand). Cytogenetic location: 7q36.1.
Variant type: single nucleotide variant.
Coding change: c.1825G>A on transcript NM_000238.4 (MANE Select); coding-DNA position 1825, G replaced by A.
Protein change: p.Asp609Asn; replaces aspartic acid 609 with asparagine.
Molecular consequence: missense variant.
Genome position (GRCh38, 1-based): chr7:150,951,568, C>T on the plus strand (G>A on the coding strand, the complement: KCNH2 is on the minus strand). VCF-style: chr7-150951568-C-T. GRCh37 (hg19) VCF-style: chr7-150648656-C-T.
Other names: c.1825G>A (LRG_288t1); c.805G>A, p.Asp269Asn (NM_001204798.2, NM_172057.3); c.1537G>A, p.Asp513Asn (NM_001406753.1, NM_001406756.1); c.1648G>A, p.Asp550Asn (NM_001406755.1); c.1525G>A, p.Asp509Asn (NM_001406757.1); c.1825G>A, p.Asp609Asn (NM_172056.3); short protein forms D269N, D609N, D550N, D509N, D513N.
Identifiers: ClinVar variation 67286 (VCV000067286.12), dbSNP rs199472941, ClinGen allele CA005592.
Genomic context (GRCh38, chr7:150,951,568, plus strand): 5'-TGCCGAAGCCCACACTGGTGAGGCTGCTGAAGGTGAAGTAGAGCGCCGTCACATACTTGT[C>T]CTTGATGGAGGGGCCGCCCAGGCCGCTGCTGTTGTAGGGTTTGCCTATCTGGTCGCCCAG-3'
Protein context (NP_000229.1, residues 599-619): SSGLGGPSIK[Asp609Asn]KYVTALYFTF

ClinVar aggregate classification (germline): Pathogenic. Review status: criteria provided, multiple submitters, no conflicts (2 of 4 stars). 5 submissions from 5 submitters: Pathogenic (4). 1 of the submissions does not count toward it. Last evaluated 2025-11-21.

Conditions:
KCNH2-related disorder. Also called: KCNH2-related disorders; KCNH2-related condition.
Cardiovascular phenotype. Identifiers: MedGen CN230736.
Familial long QT syndrome (RWS). Also called: Congenital long QT syndrome; Romano-Ward syndrome; VENTRICULAR FIBRILLATION WITH PROLONGED QT INTERVAL. Identifiers: Orphanet 768, MedGen C1141890, MONDO:0019171.
Long QT syndrome (LQTS). Identifiers: MedGen C0023976, MeSH D008133, MONDO:0002442. Disease mechanism: loss of function. Inheritance: Various modes of inheritance.

Submissions (5):

Molecular Diagnostic Laboratory for Inherited Cardiovascular Disease, Montreal Heart Institute
Classification: Pathogenic for Cardiovascular phenotype. Last evaluated: 2025-11-21. Review status: criteria provided, single submitter. Criteria: ACMG Guidelines, 2015. Collection method: clinical testing. Allele origin: germline. Affected: yes.
Comment: PS3, PM1_strong, PP1_strong, PS4_mod, PM2, PP2, PP3

Labcorp Genetics (formerly Invitae), Labcorp
Classification: Pathogenic for Long QT syndrome. Last evaluated: 2025-07-02. Review status: criteria provided, single submitter. Criteria: Invitae Variant Classification Sherloc (09022015). Collection method: clinical testing. Allele origin: germline.
Comment: This sequence change replaces aspartic acid, which is acidic and polar, with asparagine, which is neutral and polar, at codon 609 of the KCNH2 protein (p.Asp609Asn). This variant is not present in population databases (gnomAD no frequency). This missense change has been observed in individuals with long QT syndrome (PMID: 10973849, 11222472, 11854117, 18808722, 26669661). ClinVar contains an entry for this variant (Variation ID: 67286). An algorithm developed to predict the effect of missense changes on protein structure and function (PolyPhen-2) suggests that this variant is likely to be disruptive. Experimental studies have shown that this missense change affects KCNH2 function (PMID: 25417810). This variant disrupts the p.Asp609 amino acid residue in KCNH2. Other variant(s) that disrupt this residue have been determined to be pathogenic (PMID: 15500450, 25417810). This suggests that this residue is clinically significant, and that variants that disrupt this residue are likely to be disease-causing. For these reasons, this variant has been classified as Pathogenic.

Blueprint Genetics
Classification: Pathogenic for KCNH2-related disorders. Last evaluated: 2020-12-10. Review status: criteria provided, single submitter. Criteria: ACMG Guidelines, 2015. Collection method: clinical testing. Allele origin: germline. Affected: yes. Observed: 3 variant alleles.

GeneDx
Classification: Pathogenic. Last evaluated: 2016-05-31. Review status: criteria provided, single submitter. Criteria: GeneDx Variant Classification (06012015). Collection method: clinical testing. Allele origin: germline. Affected: yes.
Comment: The D609N pathogenic variant in the KCNH2 gene has been reported in association with LQTS(Splawski et al., 2000; Lupoglazoff et al., 2001; Moss et al., 2002; Westenskow et al., 2004; Zhang etal., 2008). In addition, functional studies show that the D609N variant does result in deficient proteintrafficking (Anderson et al., 2014). The D609N variant results in a semi-conservative amino acidsubstitution at a position that is conserved across species. Variants in the same residue (D609H,D609Y, D609G) and in nearby residues (G604S, T613A, T613M) have been reported in HGMD inassociation with LQTS (Stenson et al., 2014), further supporting the functional importance of thisregion of the protein. Furthermore, the D609N pathogenic variant was not observed in approximately6,500 individuals of European and African American ancestry in the NHLBI Exome SequencingProject, indicating it is not a common benign variant in these populations. Therefore, we interpret the D609N variant as pathogenic.

Cardiovascular Biomedical Research Unit, Royal Brompton & Harefield NHS Foundation Trust
No classification provided. Condition: Familial long QT syndrome. Review status: no classification provided. Collection method: literature only. Allele origin: germline. Not counted in ClinVar's aggregate classification.
Comment: This variant has been reported as associated with Long QT syndrome in the following publications (PMID:10973849;PMID:11222472;PMID:11854117;PMID:15051636). This is a literature report, and does not necessarily reflect the clinical interpretation of the Imperial College / Royal Brompton Cardiovascular Genetics laboratory.

Literature cited by the submitters: PubMed 10973849 (cited by Labcorp Genetics (formerly Invitae), Labcorp and Cardiovascular Biomedical Research Unit, Royal Brompton & Harefield NHS Foundation Trust); PubMed 11222472 (cited by Labcorp Genetics (formerly Invitae), Labcorp and Cardiovascular Biomedical Research Unit, Royal Brompton & Harefield NHS Foundation Trust); PubMed 11854117 (cited by Labcorp Genetics (formerly Invitae), Labcorp and Cardiovascular Biomedical Research Unit, Royal Brompton & Harefield NHS Foundation Trust); PubMed 18808722 (cited by Labcorp Genetics (formerly Invitae), Labcorp); PubMed 26669661 (cited by Labcorp Genetics (formerly Invitae), Labcorp); PubMed 25417810 (cited by Labcorp Genetics (formerly Invitae), Labcorp); PubMed 15500450 (cited by Labcorp Genetics (formerly Invitae), Labcorp); PubMed 15051636 (cited by Cardiovascular Biomedical Research Unit, Royal Brompton & Harefield NHS Foundation Trust); PubMed 22581653 (cited by Cardiovascular Biomedical Research Unit, Royal Brompton & Harefield NHS Foundation Trust).